The following is an entry in ClinVar:

NM_015340.4(LARS2):c.2489C>T (p.Pro830Leu)

Gene: LARS2 (leucyl-tRNA synthetase 2, mitochondrial; plus strand). Cytogenetic location: 3p21.31.
Variant type: single nucleotide variant.
Coding change: c.2489C>T on transcript NM_015340.4 (MANE Select); coding-DNA position 2489, C replaced by T.
Protein change: p.Pro830Leu; replaces proline 830 with leucine.
Molecular consequence: missense variant.
Genome position (GRCh38, 1-based): chr3:45,541,913, C>T. VCF-style: chr3-45541913-C-T. GRCh37 (hg19) VCF-style: chr3-45583405-C-T.
Other names: c.2489C>T (NM_015340.3); c.2489C>T, p.Pro830Leu (NM_001368263.1); short protein forms P830L.
Identifiers: ClinVar variation 2192552 (VCV002192552.4), dbSNP rs201306509, ClinGen allele CA2349907.

ClinVar aggregate classification (germline): Uncertain significance. Review status: criteria provided, multiple submitters, no conflicts (2 of 4 stars). 2 submissions from 2 submitters: Uncertain significance (2). Last evaluated 2025-08-07.

Conditions:
Inborn genetic diseases. Identifiers: MedGen C0950123, MeSH D030342.

Allele frequency attached by ClinVar (database versions not stated): TOPMed below 0.00001; ExAC 0.00002; gnomAD exomes 0.00002; gnomAD 0.00003; ESP Exome Variant Server 0.00008.
gnomAD v4.1: 27 of 1,614,122 alleles (0.0017%); highest among the groups gnomAD compares: Admixed American, 0.0033%; no homozygotes.

Submissions (2):

Ambry Genetics
Classification: Uncertain significance for Inborn genetic diseases. Last evaluated: 2025-08-07. Review status: criteria provided, single submitter. Criteria: Ambry Variant Classification Scheme 2023. Collection method: clinical testing. Allele origin: germline.

Labcorp Genetics (formerly Invitae), Labcorp
Classification: Uncertain significance. Last evaluated: 2022-03-22. Review status: criteria provided, single submitter. Criteria: Invitae Variant Classification Sherloc (09022015). Collection method: clinical testing. Allele origin: germline.
Comment: This sequence change replaces proline, which is neutral and non-polar, with leucine, which is neutral and non-polar, at codon 830 of the LARS2 protein (p.Pro830Leu). This variant is present in population databases (rs201306509, gnomAD 0.002%). This variant has not been reported in the literature in individuals affected with LARS2-related conditions. Algorithms developed to predict the effect of missense changes on protein structure and function output the following: SIFT: "Tolerated"; PolyPhen-2: "Benign"; Align-GVGD: "Class C0". The leucine amino acid residue is found in multiple mammalian species, which suggests that this missense change does not adversely affect protein function. In summary, the available evidence is currently insufficient to determine the role of this variant in disease. Therefore, it has been classified as a Variant of Uncertain Significance.